The following is an entry in ClinVar:

NM_000138.5(FBN1):c.2294-1G>A

Gene: FBN1 (fibrillin 1; minus strand). Cytogenetic location: 15q21.1.
Variant type: single nucleotide variant.
Coding change: c.2294-1G>A on transcript NM_000138.5 (MANE Select); the canonical splice acceptor site of the intron before coding-DNA position 2294, G replaced by A.
Molecular consequence: splice acceptor variant.
Genome position (GRCh38, 1-based): chr15:48,496,226, C>T on the plus strand (G>A on the coding strand, the complement: FBN1 is on the minus strand). VCF-style: chr15-48496226-C-T. GRCh37 (hg19) VCF-style: chr15-48788423-C-T.
Other names: c.2294-1G>A (NM_001406716.1).
Identifiers: ClinVar variation 2453678 (VCV002453678.3), dbSNP rs1064793914, ClinGen allele CA392335566.

ClinVar aggregate classification (germline): Likely pathogenic (1 of 4 stars; one submission).

Conditions:
Familial thoracic aortic aneurysm and aortic dissection (TAAD). Also called: Thoracic aortic aneurysms and dissections. Identifiers: Orphanet 91387, MedGen C4707243, MONDO:0019625.

Submission:

Ambry Genetics
Classification: Likely pathogenic for Familial thoracic aortic aneurysm and aortic dissection. Last evaluated: 2024-11-29. Review status: criteria provided, single submitter. Criteria: Ambry Variant Classification Scheme 2023. Collection method: clinical testing. Allele origin: germline.
Comment: The c.2294-1G>A intronic variant results from a G to A substitution one nucleotide upstream from coding exon 19 of the FBN1 gene. Alterations that disrupt the canonical splice site are expected to result in aberrant splicing. In silico splice site analysis predicts that this alteration will weaken the native splice acceptor site and will result in the creation or strengthening of a novel splice acceptor site. The resulting transcript is predicted to be in-frame and is not expected to trigger nonsense-mediated mRNAdecay; however, direct evidence is unavailable. The exact functional effect of the altered amino acid sequence is unknown; however, the impacted region is critical for protein function (Ambry internal data). This variant was reported in individual(s) with features consistent with Marfan syndrome (Groth KA et al. Genet Med. 2017 Jul;19(7):772-777). This variant is considered to be rare based on population cohorts in the Genome Aggregation Database (gnomAD). This nucleotide position is highly conserved in available vertebrate species. Based on the majority of available evidence to date, this variant is likely to be pathogenic.

Literature cited by the submitters: PubMed 27906200.